The following is an entry in ClinVar:

ClinVar aggregate classification (germline): Likely pathogenic (1 of 4 stars; one submission).

Conditions:
Alkaline ceramidase 3 deficiency. Also called: LEUKODYSTROPHY, PROGRESSIVE, EARLY CHILDHOOD-ONSET. Identifiers: Orphanet 502444, MedGen C4540358, MONDO:0044718, OMIM 617762.

Submission:

Egypt Genome Project
Classification: Likely pathogenic for Alkaline ceramidase 3 deficiency. Last evaluated: 2026-02-01. Review status: criteria provided, single submitter. Criteria: ACMG Guidelines, 2015. Collection method: research. Allele origin: germline. Affected: yes.
Comment: The NM_001182.4 c.1411C>T variant is clasffied as likely pathogenic based on the ACMG/AMP criteria (PM1, PM2, PM3-supporting, PP3)

NM_018367.7(ACER3):c.264G>C (p.Met88Ile)

Gene: ACER3 (alkaline ceramidase 3; plus strand). Cytogenetic location: 11q13.5.
Variant type: single nucleotide variant.
Coding change: c.264G>C on transcript NM_018367.7 (MANE Select); coding-DNA position 264, G replaced by C.
Protein change: p.Met88Ile; replaces methionine 88 with isoleucine.
Molecular consequence: missense variant. On other transcripts: intron variant (2).
Genome position (GRCh38, 1-based): chr11:76,959,028, G>C. VCF-style: chr11-76959028-G-C. GRCh37 (hg19) VCF-style: chr11-76670072-G-C.
Other names: c.153G>C, p.Met51Ile (NM_001300953.2); c.-142-49G>C (NM_001300954.2); c.-18-17261G>C (NM_001300955.2); short protein forms M51I, M88I.
Identifiers: ClinVar variation 4849871 (VCV004849871.1).
Genomic context (GRCh38, chr11:76,959,028, plus strand): 5'-TTTAATTTCAGTGGTAGGAATGGGATCCTGGTGCTTCCACATGACTCTGAAATATGAAAT[G>C]CAGGTTAGTAATGATGAAATTGACAAATGCTTATTTCTCTTAATTCAGAAGTACTTCAGA-3'
Protein context (NP_060837.3, residues 78-98): WCFHMTLKYE[Met88Ile]QLLDELPMIY